The following is an entry in ClinVar:

NM_006267.5(RANBP2):c.7918C>A (p.Pro2640Thr)

Gene: RANBP2 (RAN binding protein 2; plus strand). Cytogenetic location: 2q13.
Variant type: single nucleotide variant.
Coding change: c.7918C>A on transcript NM_006267.5 (MANE Select); coding-DNA position 7918, C replaced by A.
Protein change: p.Pro2640Thr; replaces proline 2640 with threonine.
Molecular consequence: missense variant.
Genome position (GRCh38, 1-based): chr2:108,771,769, C>A. VCF-style: chr2-108771769-C-A. GRCh37 (hg19) VCF-style: chr2-109388225-C-A.
Other names: short protein forms P2640T.
Identifiers: ClinVar variation 1213706 (VCV001213706.10), dbSNP rs762433464, ClinGen allele CA1823703.

ClinVar aggregate classification (germline): Uncertain significance. Review status: criteria provided, multiple submitters, no conflicts (2 of 4 stars). 2 submissions from 2 submitters: Uncertain significance (2). Last evaluated 2020-11-26.

Conditions:
Familial acute necrotizing encephalopathy (IIAE3). Also called: ENCEPHALOPATHY, ACUTE, INFECTION-INDUCED, SUSCEPTIBILITY TO, 3; Susceptibility to Acute Necrotizing Encephalopathy 1. Identifiers: Orphanet 88619, MedGen C2675556, MONDO:0011953, OMIM 608033.

Allele frequency attached by ClinVar (database versions not stated): TOPMed 0.00002.
gnomAD v4.1: 15 of 1,613,960 alleles (0.00093%); highest among the groups gnomAD compares: East Asian, 0.02%; no homozygotes.

Submissions (2):

Labcorp Genetics (formerly Invitae), Labcorp
Classification: Uncertain significance for Familial acute necrotizing encephalopathy. Last evaluated: 2020-11-26. Review status: criteria provided, single submitter. Criteria: Invitae Variant Classification Sherloc (09022015). Collection method: clinical testing. Allele origin: germline.
Comment: This sequence change replaces proline with threonine at codon 2640 of the RANBP2 protein (p.Pro2640Thr). The proline residue is highly conserved and there is a small physicochemical difference between proline and threonine. In summary, the available evidence is currently insufficient to determine the role of this variant in disease. Therefore, it has been classified as a Variant of Uncertain Significance. Algorithms developed to predict the effect of missense changes on protein structure and function (SIFT, PolyPhen-2, Align-GVGD) all suggest that this variant is likely to be disruptive, but these predictions have not been confirmed by published functional studies and their clinical significance is uncertain. This variant has not been reported in the literature in individuals with RANBP2-related conditions. This variant is present in population databases (rs762433464, ExAC 0.03%).

New York Genome Center
Classification: Uncertain significance for Familial acute necrotizing encephalopathy. Last evaluated: 2020-09-23. Review status: criteria provided, single submitter. Criteria: NYGC Assertion Criteria 2020. Collection method: clinical testing. Allele origin: germline. Observed: 1 heterozygote. Study: CSER-NYCKidSeq.